The following is an entry in ClinVar:

NM_139027.6(ADAMTS13):c.1245-3C>T

Gene: ADAMTS13 (ADAM metallopeptidase with thrombospondin type 1 motif 13; plus strand). Cytogenetic location: 9q34.2.
Variant type: single nucleotide variant.
Coding change: c.1245-3C>T on transcript NM_139027.6 (MANE Select); 3 bases into the intron before coding-DNA position 1245, C replaced by T.
Molecular consequence: intron variant.
Genome position (GRCh38, 1-based): chr9:133,433,638, C>T. VCF-style: chr9-133433638-C-T. GRCh37 (hg19) VCF-style: chr9-136298758-C-T.
Other names: c.1245-3C>T (NM_139025.5); c.1152-3C>T (NM_139026.6).
Identifiers: ClinVar variation 365543 (VCV000365543.14), dbSNP rs36219902, ClinGen allele CA10629413.

ClinVar aggregate classification (germline): Conflicting classifications of pathogenicity. Review status: criteria provided, conflicting classifications (1 of 4 stars). 5 submissions from 5 submitters: Uncertain significance (1); Likely benign (4). Last evaluated 2026-07-01.

Allele frequency attached by ClinVar (database versions not stated): 1000 Genomes Project 0.00040; 1000 Genomes Project 30x 0.00062; gnomAD exomes 0.00096 and 0.00177; TOPMed 0.00110; ExAC 0.00113; gnomAD 0.00127 and 0.00130; ESP Exome Variant Server 0.00208.
gnomAD v4.1: 2,736 of 1,614,036 alleles (0.17%); highest among the groups gnomAD compares: Non-Finnish European, 0.22%; 3 homozygotes.

Submissions (6):

CeGaT Center for Human Genetics Tuebingen
Classification: Likely benign. Last evaluated: 2026-07-01. Review status: criteria provided, single submitter. Criteria: CeGaT Center For Human Genetics Tuebingen Variant Classification Criteria Version 2. Collection method: clinical testing. Allele origin: germline. Affected: yes. Observed: 1 variant allele.
Comment: ADAMTS13: BP4

Labcorp Genetics (formerly Invitae), Labcorp
Classification: Likely benign. Last evaluated: 2026-01-22. Review status: criteria provided, single submitter. Criteria: Invitae Variant Classification Sherloc (09022015). Collection method: clinical testing. Allele origin: germline.

Blueprint Genetics
Classification: Likely benign. Last evaluated: 2024-11-21. Review status: criteria provided, single submitter. Criteria: ACMG Guidelines, 2015. Collection method: clinical testing. Allele origin: germline.

Women's Health and Genetics/Laboratory Corporation of America, LabCorp
Classification: Uncertain significance. Last evaluated: 2024-05-15. Review status: criteria provided, single submitter. Criteria: LabCorp Variant Classification Summary - May 2015. Collection method: clinical testing. Allele origin: germline.
Comment: Variant summary: ADAMTS13 c.1245-3C>T alters a conserved nucleotide located close to a canonical splice site and therefore could affect mRNA splicing, leading to a significantly altered protein sequence. Consensus agreement among computation tools predict no significant impact on normal splicing. However, these predictions have yet to be confirmed by functional studies. The variant allele was found at a frequency of 0.0017 in 1614036 control chromosomes in the gnomAD database, including 3 homozygotes, suggesting the variant could be benign. c.1245-3C>T has been reported in the literature in a study including individuals affected with deep vein thrombosis or controls, without specifying phenotype (e.g. Pagliari_2021). These data do not allow any conclusions about variant significance. To our knowledge, no experimental evidence demonstrating an impact on protein function has been reported. The following publication has been ascertained in the context of this evaluation (PMID: 34662354). ClinVar contains an entry for this variant (Variation ID: 365543). Based on the evidence outlined above, the variant was classified as VUS-possibly benign.

Mayo Clinic Laboratories, Mayo Clinic
Classification: Likely benign. Last evaluated: 2023-01-05. Review status: criteria provided, single submitter. Criteria: ACMG Guidelines, 2015. Collection method: clinical testing. Allele origin: germline. Observed: 5 variant alleles.
Comment: BS1, BP4, BP7

Dr. Peter K. Rogan Lab, Western University
No classification provided (evidence only). Condition: Cervical cancer. Review status: no classification provided. Collection method: in vitro. Allele origin: not applicable. Functional consequence: skipped exon. Not counted in ClinVar's aggregate classification.

Literature cited by the submitters: PubMed 34662354 (cited by Women's Health and Genetics/Laboratory Corporation of America, LabCorp).